The following is an entry in ClinVar:

NM_012186.3(FOXE3):c.304A>C (p.Thr102Pro)

Genes: FOXE3 (forkhead box E3; plus strand), LINC01389 (long independently transcribed non-coding RNA 1389; minus strand). Cytogenetic location: 1p33.
Variant type: single nucleotide variant.
Coding change: c.304A>C on transcript NM_012186.3 (MANE Select); coding-DNA position 304, A replaced by C.
Protein change: p.Thr102Pro; replaces threonine 102 with proline.
Molecular consequence: missense variant.
Genome position (GRCh38, 1-based): chr1:47,416,619, A>C. VCF-style: chr1-47416619-A-C. GRCh37 (hg19) VCF-style: chr1-47882291-A-C.
Other names: short protein forms T102P.
Identifiers: ClinVar variation 3763582 (VCV003763582.2).
Genomic context (GRCh38, chr1:47,416,619, plus strand): 5'-ATGGCTCTGGCGCACGCCCCGGGCCGCCGCCTCACGCTGGCCGCCATCTACCGCTTCATC[A>C]CCGAACGCTTTGCCTTCTACCGCGACAGCCCGCGCAAGTGGCAGAACAGCATCCGCCACA-3'
Protein context (NP_036318.1, residues 92-112): LTLAAIYRFI[Thr102Pro]ERFAFYRDSP

ClinVar aggregate classification (germline): Uncertain significance (1 of 4 stars; one submission).

Conditions:
Congenital primary aphakia. Also called: Anterior segment dysgenesis 2, multiple subtypes; ANTERIOR SEGMENT DYSGENESIS 2. Identifiers: Orphanet 83461, MedGen C1853230, MONDO:0012456, OMIM 610256.
Anterior segment dysgenesis. Also called: Ocular anterior segment dysgenesis. Identifiers: Orphanet 88632, MedGen C1862839, MONDO:0019503, HP:0007700.

Submission:

Labcorp Genetics (formerly Invitae), Labcorp
Classification: Uncertain significance for Anterior segment dysgenesis; Congenital primary aphakia. Last evaluated: 2024-06-11. Review status: criteria provided, single submitter. Criteria: Invitae Variant Classification Sherloc (09022015). Collection method: clinical testing. Allele origin: germline.
Comment: This sequence change replaces threonine, which is neutral and polar, with proline, which is neutral and non-polar, at codon 102 of the FOXE3 protein (p.Thr102Pro). This variant is present in population databases (rs761097774, gnomAD 0.01%). This variant has not been reported in the literature in individuals affected with FOXE3-related conditions. Advanced modeling of protein sequence and biophysical properties (such as structural, functional, and spatial information, amino acid conservation, physicochemical variation, residue mobility, and thermodynamic stability) has been performed at Invitae for this missense variant, however the output from this modeling did not meet the statistical confidence thresholds required to predict the impact of this variant on FOXE3 protein function. In summary, the available evidence is currently insufficient to determine the role of this variant in disease. Therefore, it has been classified as a Variant of Uncertain Significance.